The following is an entry in ClinVar:

NM_020297.4(ABCC9):c.798T>C (p.Asp266=)

Gene: ABCC9 (ATP binding cassette subfamily C member 9; minus strand). Cytogenetic location: 12p12.1.
Variant type: single nucleotide variant.
Coding change: c.798T>C on transcript NM_020297.4 (MANE Select); coding-DNA position 798, T replaced by C.
Protein change: p.Asp266=; no amino-acid change (aspartic acid 266 retained).
Molecular consequence: synonymous variant. On other transcripts: intron variant (1).
Genome position (GRCh38, 1-based): chr12:21,915,686, A>G on the plus strand (T>C on the coding strand, the complement: ABCC9 is on the minus strand). VCF-style: chr12-21915686-A-G. GRCh37 (hg19) VCF-style: chr12-22068620-A-G.
Other names: p.Asp266=; c.798T>C, p.Asp266= (NM_001377273.1, NM_005691.4); c.-48-2620T>C (NM_001377274.1).
Identifiers: ClinVar variation 45420 (VCV000045420.21), dbSNP rs138356189, ClinGen allele CA136306.

ClinVar aggregate classification (germline): Benign/Likely benign. Review status: criteria provided, multiple submitters, no conflicts (2 of 4 stars). 8 submissions from 8 submitters: Benign (2); Likely benign (4). 2 of the submissions do not count toward it. Last evaluated 2026-01-31.

Conditions:
Cardiovascular phenotype. Identifiers: MedGen CN230736.
Cardiomyopathy (CMYO). Also called: Cardiomyopathies. Identifiers: Orphanet 167848, MedGen C0878544, MONDO:0004994, HP:0001638. Inheritance: Various modes of inheritance.
Dilated cardiomyopathy 1O (CMD1O). Also called: CARDIOMYOPATHY, DILATED, WITH VENTRICULAR TACHYCARDIA. Identifiers: Orphanet 154, MedGen C1837839, MONDO:0012062, OMIM 608569.

Allele frequency attached by ClinVar (database versions not stated): gnomAD exomes 0.00011 and 0.00029; ExAC 0.00035; gnomAD 0.00103 and 0.00113; 1000 Genomes Project 30x 0.00109; TOPMed 0.00138; 1000 Genomes Project 0.00140; ESP Exome Variant Server 0.00177.
gnomAD v4.1: 329 of 1,611,902 alleles (0.02%); highest among the groups gnomAD compares: African/African-American, 0.39%; 2 homozygotes.

Submissions (8):

Labcorp Genetics (formerly Invitae), Labcorp
Classification: Benign for Dilated cardiomyopathy 1O. Last evaluated: 2026-01-31. Review status: criteria provided, single submitter. Criteria: Invitae Variant Classification Sherloc (09022015). Collection method: clinical testing. Allele origin: germline.

Mayo Clinic Laboratories, Mayo Clinic
Classification: Likely benign. Last evaluated: 2024-12-24. Review status: criteria provided, single submitter. Criteria: ACMG Guidelines, 2015. Collection method: clinical testing. Allele origin: germline. Observed: 6 variant alleles.
Comment: BS1, BP4, BP7

GeneDx
Classification: Likely benign. Last evaluated: 2020-09-03. Review status: criteria provided, single submitter. Criteria: GeneDx Variant Classification Process June 2021. Collection method: clinical testing. Allele origin: germline. Affected: yes.

Ambry Genetics
Classification: Likely benign for Cardiovascular phenotype. Last evaluated: 2020-01-08. Review status: criteria provided, single submitter. Criteria: Ambry Variant Classification Scheme 2023. Collection method: clinical testing. Allele origin: germline.

CHEO Genetics Diagnostic Laboratory, Children's Hospital of Eastern Ontario
Classification: Likely benign for Cardiomyopathy. Last evaluated: 2016-04-28. Review status: criteria provided, single submitter. Criteria: ACMG Guidelines, 2015. Collection method: clinical testing. Allele origin: germline. Study: Canadian Open Genetics Repository.

Laboratory for Molecular Medicine, Mass General Brigham Personalized Medicine
Classification: Benign. Last evaluated: 2012-03-19. Review status: criteria provided, single submitter. Criteria: LMM Criteria. Collection method: clinical testing. Allele origin: germline. Observed: 3 variant alleles.
Comment: p.Asp266Asp in Exon 05 of ABCC9: This variant is not expected to have clinical s ignificance because it does not alter an amino acid residue, is not located with in the splice consensus sequence and has been identified in 0.6% (22/3738) of Af rican American chromosomes from a broad population by the NHLBI Exome Sequencing Project (dbSNP rs138356189).

Diagnostic Laboratory, Department of Genetics, University Medical Center Groningen
Classification: Likely benign. Review status: no assertion criteria provided. Collection method: clinical testing. Allele origin: germline. Affected: yes. Study: VKGL Data-share Consensus. Not counted in ClinVar's aggregate classification.

Laboratory of Diagnostic Genome Analysis, Leiden University Medical Center (LUMC)
Classification: Likely benign. Review status: no assertion criteria provided. Collection method: clinical testing. Allele origin: germline. Affected: yes. Study: VKGL Data-share Consensus. Not counted in ClinVar's aggregate classification.